The following is an entry in ClinVar:

ClinVar aggregate classification (germline): Uncertain significance (1 of 4 stars; one submission).

Conditions:
Ehlers-Danlos syndrome, kyphoscoliotic type 1 (EDSKSCL1). Also called: EHLERS-DANLOS SYNDROME, TYPE VIA; PLOD1-Related Kyphoscoliotic Ehlers-Danlos Syndrome; Ehlers-Danlos syndrome, hydroxylysine-deficient; EHLERS-DANLOS SYNDROME, OCULAR-SCOLIOTIC TYPE. Identifiers: Orphanet 1900, MedGen C0268342, MONDO:0016002, OMIM 225400. Disease mechanism: loss of function.

Submission:

Labcorp Genetics (formerly Invitae), Labcorp
Classification: Uncertain significance for Ehlers-Danlos syndrome, kyphoscoliotic type 1. Last evaluated: 2020-05-22. Review status: criteria provided, single submitter. Criteria: Invitae Variant Classification Sherloc (09022015). Collection method: clinical testing. Allele origin: germline.
Comment: This variant results in a copy number gain of the genomic region encompassing the full coding sequence of the PLOD1 gene. The boundaries of this event are unknown as they extend beyond the assayed region for this gene and therefore may encompass additional genes. As the precise location of this event is unknown, it may be in tandem or it may be located elsewhere in the genome. This variant has not been reported in the literature in individuals with PLOD1-related conditions. Experimental studies and prediction algorithms are not available or were not evaluated, and the functional significance of this variant is currently unknown. In summary, the available evidence is currently insufficient to determine the role of this variant in disease. Therefore, it has been classified as a Variant of Uncertain Significance.

NC_000001.10:g.(?_11994837)_(12034865_?)dup

Gene: PLOD1 (procollagen-lysine,2-oxoglutarate 5-dioxygenase 1; plus strand). Cytogenetic location: 1p36.22.
Variant type: Duplication.
Identifiers: ClinVar variation 1010322 (VCV001010322.2).